The following is an entry in ClinVar:

NM_000051.4(ATM):c.6755C>G (p.Thr2252Ser)

Genes: C11orf65 (chromosome 11 open reading frame 65; minus strand), ATM (ATM serine/threonine kinase; plus strand). Cytogenetic location: 11q22.3.
Variant type: single nucleotide variant.
Coding change: c.6755C>G on transcript NM_000051.4 (MANE Select); coding-DNA position 6755, C replaced by G.
Protein change: p.Thr2252Ser; replaces threonine 2252 with serine.
Molecular consequence: missense variant. On other transcripts: intron variant (2).
Genome position (GRCh38, 1-based): chr11:108,325,492, C>G. VCF-style: chr11-108325492-C-G. GRCh37 (hg19) VCF-style: chr11-108196219-C-G.
Other names: c.6755C>G, p.Thr2252Ser (NM_001351834.2); c.641-16421G>C (NM_001330368.2); c.*38+9728G>C (NM_001351110.2); short protein forms T2252S.
Identifiers: ClinVar variation 627889 (VCV000627889.30), dbSNP rs755531586, ClinGen allele CA6266004.

ClinVar aggregate classification (germline): Uncertain significance. Review status: criteria provided, multiple submitters, no conflicts (2 of 4 stars). 6 submissions from 6 submitters: Uncertain significance (5). 1 of the submissions does not count toward it. Last evaluated 2025-12-08.

Conditions:
Hereditary cancer-predisposing syndrome. Also called: Tumor predisposition; Hereditary neoplastic syndrome; Neoplastic Syndromes, Hereditary; Hereditary Cancer Syndrome. Identifiers: Orphanet 140162, MedGen C0027672, MeSH D009386, MONDO:0015356.
Ataxia-telangiectasia syndrome (AT). Also called: Ataxia-telangiectasia, complementation group D; AT, COMPLEMENTATION GROUP C; ATAXIA-TELANGIECTASIA, COMPLEMENTATION GROUP A; ATAXIA-TELANGIECTASIA, FRESNO VARIANT; Ataxia-telangiectasia; LOUIS-BAR SYNDROME. Identifiers: Orphanet 100, MedGen C0004135, MONDO:0008840, OMIM 208900.

Allele frequency attached by ClinVar (database versions not stated): gnomAD exomes below 0.00001; ExAC 0.00001.
gnomAD v4.1: 5 of 1,613,290 alleles (0.00031%); highest among the groups gnomAD compares: East Asian, 0.0022%; no homozygotes.

Submissions (6):

Labcorp Genetics (formerly Invitae), Labcorp
Classification: Uncertain significance for Ataxia-telangiectasia syndrome. Last evaluated: 2025-12-08. Review status: criteria provided, single submitter. Criteria: Invitae Variant Classification Sherloc (09022015). Collection method: clinical testing. Allele origin: germline.
Comment: This sequence change replaces threonine, which is neutral and polar, with serine, which is neutral and polar, at codon 2252 of the ATM protein (p.Thr2252Ser). The frequency data for this variant in the population databases is considered unreliable, as metrics indicate poor data quality at this position in the gnomAD database. This variant has not been reported in the literature in individuals affected with ATM-related conditions. ClinVar contains an entry for this variant (Variation ID: 627889). Invitae Evidence Modeling of protein sequence and biophysical properties (such as structural, functional, and spatial information, amino acid conservation, physicochemical variation, residue mobility, and thermodynamic stability) indicates that this missense variant is not expected to disrupt ATM protein function with a negative predictive value of 95%. In summary, the available evidence is currently insufficient to determine the role of this variant in disease. Therefore, it has been classified as a Variant of Uncertain Significance.

Ambry Genetics
Classification: Uncertain significance for Hereditary cancer-predisposing syndrome. Last evaluated: 2025-06-14. Review status: criteria provided, single submitter. Criteria: Ambry Variant Classification Scheme 2023. Collection method: clinical testing. Allele origin: germline.
Comment: The p.T2252S variant (also known as c.6755C>G), located in coding exon 45 of the ATM gene, results from a C to G substitution at nucleotide position 6755. The threonine at codon 2252 is replaced by serine, an amino acid with similar properties. This amino acid position is highly conserved in available vertebrate species. In addition, the in silico prediction for this alteration is inconclusive. Since supporting evidence is limited at this time, the clinical significance of this alteration remains unclear.

GeneDx
Classification: Uncertain significance. Last evaluated: 2024-06-17. Review status: criteria provided, single submitter. Criteria: GeneDx Variant Classification Process June 2021. Collection method: clinical testing. Allele origin: germline. Affected: yes.
Comment: Not observed at significant frequency in large population cohorts (gnomAD); In silico analysis indicates that this missense variant does not alter protein structure/function; Observed in an individual with breast cancer (PMID: 33471991); This variant is associated with the following publications: (PMID: 33471991, 23532176)

Color Diagnostics, LLC DBA Color Health
Classification: Uncertain significance for Hereditary cancer-predisposing syndrome. Last evaluated: 2023-12-05. Review status: criteria provided, single submitter. Criteria: ACMG Guidelines, 2015. Collection method: clinical testing. Allele origin: germline.
Comment: This missense variant replaces threonine with serine at codon 2252 of the ATM protein. Computational prediction suggests that this variant may not impact protein structure and function (internally defined REVEL score threshold <= 0.5, PMID: 27666373). To our knowledge, functional studies have not been reported for this variant. This variant has not been reported in individuals affected with ATM-related disorders in the literature. This variant has been identified in 1/250534 chromosomes in the general population by the Genome Aggregation Database (gnomAD). The available evidence is insufficient to determine the role of this variant in disease conclusively. Therefore, this variant is classified as a Variant of Uncertain Significance.

Quest Diagnostics Nichols Institute San Juan Capistrano
Classification: Uncertain significance. Last evaluated: 2023-11-06. Review status: criteria provided, single submitter. Criteria: Quest Diagnostics criteria. Collection method: clinical testing. Allele origin: unknown.

Natera, Inc.
Classification: Uncertain significance for Ataxia-telangiectasia. Last evaluated: 2021-04-10. Review status: no assertion criteria provided. Collection method: clinical testing. Allele origin: germline. Not counted in ClinVar's aggregate classification.

Literature cited by the submitters: PubMed 33471991 (cited by Quest Diagnostics Nichols Institute San Juan Capistrano).